The following is an entry in ClinVar:

NM_024408.4(NOTCH2):c.6079A>G (p.Lys2027Glu)

Gene: NOTCH2 (notch receptor 2; minus strand). Cytogenetic location: 1p12.
Variant type: single nucleotide variant.
Coding change: c.6079A>G on transcript NM_024408.4 (MANE Select); coding-DNA position 6079, A replaced by G.
Protein change: p.Lys2027Glu; replaces lysine 2027 with glutamic acid.
Molecular consequence: missense variant.
Genome position (GRCh38, 1-based): chr1:119,916,643, T>C on the plus strand (A>G on the coding strand, the complement: NOTCH2 is on the minus strand). VCF-style: chr1-119916643-T-C. GRCh37 (hg19) VCF-style: chr1-120459266-T-C.
Other names: short protein forms K2027E.
Identifiers: ClinVar variation 520581 (VCV000520581.9), dbSNP rs1283460236, ClinGen allele CA341881120.

ClinVar aggregate classification (germline): Uncertain significance. Review status: criteria provided, multiple submitters, no conflicts (2 of 4 stars). 4 submissions from 4 submitters: Uncertain significance (4). Last evaluated 2026-01-26.

Conditions:
NOTCH2-related disorder. Also called: NOTCH2-related condition.
Hajdu-Cheney syndrome (HJCYS). Also called: SERPENTINE FIBULA-POLYCYSTIC KIDNEY SYNDROME; Acroosteolysis dominant type; ACROOSTEOLYSIS WITH OSTEOPOROSIS AND CHANGES IN SKULL AND MANDIBLE. Identifiers: Orphanet 955, MedGen C0917715, MONDO:0007057, OMIM 102500.
Alagille syndrome due to a NOTCH2 point mutation. Also called: Alagille syndrome 2. Identifiers: Orphanet 261629, Orphanet 52, MedGen C1857761, MONDO:0012439, OMIM 610205.
Inborn genetic diseases. Identifiers: MedGen C0950123, MeSH D030342.

Allele frequency attached by ClinVar (database versions not stated): gnomAD exomes below 0.00001; TOPMed below 0.00001; gnomAD 0.00001.
gnomAD v4.1: 2 of 1,614,064 alleles (0.00012%); highest among the groups gnomAD compares: Admixed American, 0.0033%; no homozygotes.

Submissions (4):

PreventionGenetics, part of Exact Sciences
Classification: Uncertain significance for NOTCH2-related condition. Last evaluated: 2026-01-26. Review status: criteria provided, single submitter. Criteria: ACMG Guidelines, 2015. Collection method: clinical testing. Allele origin: germline.
Comment: The NOTCH2 c.6079A>G variant is predicted to result in the amino acid substitution p.Lys2027Glu. To our knowledge, this variant has not been reported in the literature or in a large population database (gnomAD), indicating this variant is rare. At this time, the clinical significance of this variant is uncertain due to the absence of conclusive functional and genetic evidence.

Labcorp Genetics (formerly Invitae), Labcorp
Classification: Uncertain significance for Hajdu-Cheney syndrome. Last evaluated: 2024-08-05. Review status: criteria provided, single submitter. Criteria: Invitae Variant Classification Sherloc (09022015). Collection method: clinical testing. Allele origin: germline.
Comment: This sequence change replaces lysine, which is basic and polar, with glutamic acid, which is acidic and polar, at codon 2027 of the NOTCH2 protein (p.Lys2027Glu). This variant is not present in population databases (gnomAD no frequency). This variant has not been reported in the literature in individuals affected with NOTCH2-related conditions. ClinVar contains an entry for this variant (Variation ID: 520581). Advanced modeling of protein sequence and biophysical properties (such as structural, functional, and spatial information, amino acid conservation, physicochemical variation, residue mobility, and thermodynamic stability) performed at Invitae indicates that this missense variant is not expected to disrupt NOTCH2 protein function with a negative predictive value of 80%. In summary, the available evidence is currently insufficient to determine the role of this variant in disease. Therefore, it has been classified as a Variant of Uncertain Significance.

Fulgent Genetics
Classification: Uncertain significance for Hajdu-Cheney syndrome; Alagille syndrome due to a NOTCH2 point mutation. Last evaluated: 2022-03-02. Review status: criteria provided, single submitter. Criteria: ACMG Guidelines, 2015. Collection method: clinical testing. Allele origin: unknown.

Ambry Genetics
Classification: Uncertain significance for Inborn genetic diseases. Last evaluated: 2014-10-19. Review status: criteria provided, single submitter. Criteria: Ambry Variant Classification Scheme 2023. Collection method: clinical testing. Allele origin: germline.
Comment: The c.6079A>G (p.K2027E) alteration is located in exon 34 (coding exon 34) of the NOTCH2 gene. This alteration results from a A to G substitution at nucleotide position 6079, causing the lysine (K) at amino acid position 2027 to be replaced by a glutamic acid (E). The alteration is not observed in healthy cohorts:_x000D_ Based on data from the NHLBI Exome Sequencing Project (ESP), the NOTCH2 c.6079A>G alteration was not observed among 6,497 individuals tested. Allele frequency data for this nucleotide position are not currently available from the 1000 Genomes Project and the alteration is not currently listed in the Database of Single Nucleotide Polymorphisms (dbSNP). Though some variants may appear to be rare due to database-specific ethnic underrepresentation, rare missense alleles commonly exhibit a deleterious effect on protein function (Kryukov, 2007; Tennessen, 2012). IF USED, PULL THESE INTO REFERENCES:_x000D_ Kryukov GV, et al. (2007) Am J Hum Genet 80:727-739. Tennessen JA, et al. (2012) Science 337(64):64-69. The altered nucleotide is conserved throughout evolution:_x000D_ The c.6079A nucleotide is well conserved in available vertebrate species, except the blowfish, stickleback, and the zebrafish._x000D_ _x000D_ The altered amino acid is conserved throughout evolution:_x000D_ The p.K2027 amino acid is completely conserved in available mammal species. The c.6079A>G (p.K2027E) alteration is located in coding exon 34 of the NOTCH2 gene. The alteration results from an A to G substitution at nucleotide position 6079, causing the Lysine (K) at amino acid position 2027 to be replaced by a Glutamic acid (E). The amino acid is located in a functionally important protein domain:_x000D_ The p.K2027E amino acid is located in the ankyrin repeat domain of the NOTCH2 protein. The ankyrin repeat domain is located in the intracellular part of the NOTCH2 protein and mediates protein-protein interactions. Pathogenic alterations in the ankyrin repeat domain are associated with Alagille syndrome and are predicted to affect the ability of the Notch intracellular domain to bind to other transcription factors (Penton, 2012). In silico prediction is conflicting:_x000D_ The p.K2027E alteration is predicted to be benign by Polyphen and deleterious by SIFT in silico analyses._x000D_ The alteration is predicted not to affect splicing by in silico models:_x000D_ Based on BDGP and ESEfinder splice site in silico tools, this alteration does not have any significant effect on the native acceptor/donor splice site; however, direct evidence is unavailable Based on insufficient or conflicting evidence, the clinical significance of this alteration remains unclear.